The following is an entry in ClinVar:

NM_018557.3(LRP1B):c.10470C>T (p.Pro3490=)

Gene: LRP1B (LDL receptor related protein 1B; minus strand). Cytogenetic location: 2q22.1.
Variant type: single nucleotide variant.
Coding change: c.10470C>T on transcript NM_018557.3 (MANE Select); coding-DNA position 10470, C replaced by T.
Protein change: p.Pro3490=; no amino-acid change (proline 3490 retained).
Molecular consequence: synonymous variant.
Genome position (GRCh38, 1-based): chr2:140,385,954, G>A on the plus strand (C>T on the coding strand, the complement: LRP1B is on the minus strand). VCF-style: chr2-140385954-G-A. GRCh37 (hg19) VCF-style: chr2-141143523-G-A.
Identifiers: ClinVar variation 3058533 (VCV003058533.2), dbSNP rs752743011, ClinGen allele CA1893384.

ClinVar aggregate classification (germline): Likely benign (0 of 4 stars; one submission).

Conditions:
LRP1B-related disorder. Also called: LRP1B-related condition.

Allele frequency attached by ClinVar (database versions not stated): TOPMed 0.00001; gnomAD exomes 0.00002.
gnomAD v4.1: 38 of 1,613,460 alleles (0.0024%); highest among the groups gnomAD compares: South Asian, 0.0055%; no homozygotes.

Submission:

PreventionGenetics, part of Exact Sciences
Classification: Likely benign for LRP1B-related condition. Last evaluated: 2019-02-28. Review status: no assertion criteria provided. Collection method: clinical testing. Allele origin: germline.
Comment: This variant is classified as likely benign based on ACMG/AMP sequence variant interpretation guidelines (Richards et al. 2015 PMID: 25741868, with internal and published modifications).